The following is an entry in ClinVar:

NM_000260.4(MYO7A):c.6054G>A (p.Glu2018=)

Gene: MYO7A (myosin VIIA; plus strand). Cytogenetic location: 11q13.5.
Variant type: single nucleotide variant.
Coding change: c.6054G>A on transcript NM_000260.4 (MANE Select); coding-DNA position 6054, G replaced by A.
Protein change: p.Glu2018=; no amino-acid change (glutamic acid 2018 retained).
Molecular consequence: synonymous variant.
Genome position (GRCh38, 1-based): chr11:77,211,154, G>A. VCF-style: chr11-77211154-G-A. GRCh37 (hg19) VCF-style: chr11-76922199-G-A.
Other names: c.5940G>A, p.Glu1980= (NM_001127180.2); c.5907G>A, p.Glu1969= (NM_001369365.1).
Identifiers: ClinVar variation 505383 (VCV000505383.12), dbSNP rs1239820996, ClinGen allele CA475791866.

ClinVar aggregate classification (germline): Likely benign. Review status: criteria provided, multiple submitters, no conflicts (2 of 4 stars). 2 submissions from 2 submitters: Likely benign (2). Last evaluated 2023-06-06.

Allele frequency attached by ClinVar (database versions not stated): gnomAD exomes 0.00001.
gnomAD v4.1: 10 of 1,572,320 alleles (0.00064%); highest among the groups gnomAD compares: African/African-American, 0.0013%; no homozygotes.

Submissions (2):

Labcorp Genetics (formerly Invitae), Labcorp
Classification: Likely benign. Last evaluated: 2023-06-06. Review status: criteria provided, single submitter. Criteria: Invitae Variant Classification Sherloc (09022015). Collection method: clinical testing. Allele origin: germline.

Laboratory for Molecular Medicine, Mass General Brigham Personalized Medicine
Classification: Likely benign. Last evaluated: 2016-10-25. Review status: criteria provided, single submitter. Criteria: LMM Criteria. Collection method: clinical testing. Allele origin: germline. Observed: 1 variant allele.
Comment: p.Glu2018Glu in exon 45 of MYO7A: This variant is not expected to have clinical significance because it does not alter an amino acid residue and is not located within the splice consensus sequence.